The following is an entry in ClinVar:

ClinVar aggregate classification (germline): Uncertain significance. Review status: criteria provided, multiple submitters, no conflicts (2 of 4 stars). 5 submissions from 5 submitters: Uncertain significance (4). 1 of the submissions does not count toward it. Last evaluated 2024-10-21.

Conditions:
Retinal dystrophy. Also called: Inherited retinal dystrophy. Identifiers: Orphanet 71862, MedGen C0854723, MeSH D058499, MONDO:0019118, HP:0000556.

Allele frequency attached by ClinVar (database versions not stated): TOPMed 0.00011; gnomAD exomes 0.00016; 1000 Genomes Project 30x 0.00031; ESP Exome Variant Server 0.00038; 1000 Genomes Project 0.00040.

Submissions (5):

Blueprint Genetics
Classification: Uncertain significance. Last evaluated: 2024-10-21. Review status: criteria provided, single submitter. Criteria: ACMG Guidelines, 2015. Collection method: clinical testing. Allele origin: germline.

Ambry Genetics
Classification: Uncertain significance. Last evaluated: 2024-02-17. Review status: criteria provided, single submitter. Criteria: Ambry Variant Classification Scheme 2023. Collection method: clinical testing. Allele origin: germline.

Labcorp Genetics (formerly Invitae), Labcorp
Classification: Uncertain significance. Last evaluated: 2024-01-29. Review status: criteria provided, single submitter. Criteria: Invitae Variant Classification Sherloc (09022015). Collection method: clinical testing. Allele origin: germline.
Comment: This sequence change replaces valine, which is neutral and non-polar, with methionine, which is neutral and non-polar, at codon 174 of the SLC7A14 protein (p.Val174Met). This variant is present in population databases (rs147696235, gnomAD 0.02%). This variant has not been reported in the literature in individuals affected with SLC7A14-related conditions. ClinVar contains an entry for this variant (Variation ID: 1037571). An algorithm developed to predict the effect of missense changes on protein structure and function (PolyPhen-2) suggests that this variant is likely to be tolerated. In summary, the available evidence is currently insufficient to determine the role of this variant in disease. Therefore, it has been classified as a Variant of Uncertain Significance.

Dept Of Ophthalmology, Nagoya University
Classification: Uncertain significance for Retinal dystrophy. Last evaluated: 2023-10-01. Review status: criteria provided, single submitter. Criteria: Submitter's publication. Collection method: research. Allele origin: germline. Affected: yes.

Institute of Human Genetics, Univ. Regensburg, Univ. Regensburg
Classification: Uncertain significance for Retinal dystrophy. Last evaluated: 2022-01-01. Review status: no assertion criteria provided. Criteria: ACMG Guidelines, 2015. Collection method: clinical testing. Allele origin: germline. Affected: yes. Not counted in ClinVar's aggregate classification.

NM_020949.3(SLC7A14):c.520G>A (p.Val174Met)

Genes: SLC7A14 (solute carrier family 7 member 14; minus strand), SLC7A14-AS1 (SLC7A14 antisense RNA 1; plus strand). Cytogenetic location: 3q26.2.
Variant type: single nucleotide variant.
Coding change: c.520G>A on transcript NM_020949.3 (MANE Select); coding-DNA position 520, G replaced by A.
Protein change: p.Val174Met; replaces valine 174 with methionine.
Molecular consequence: missense variant.
Genome position (GRCh38, 1-based): chr3:170,501,130, C>T on the plus strand (G>A on the coding strand, the complement: SLC7A14 is on the minus strand). VCF-style: chr3-170501130-C-T. GRCh37 (hg19) VCF-style: chr3-170218919-C-T.
Other names: c.520G>A (NM_020949.2); short protein forms V174M.
Identifiers: ClinVar variation 1037571 (VCV001037571.11), dbSNP rs147696235, ClinGen allele CA2701915.